The following is an entry in ClinVar:

ClinVar aggregate classification (germline): Likely benign (0 of 4 stars; one submission).

Conditions:
ERF-related disorder. Also called: ERF-related disorders; ERF-related condition.

Submission:

PreventionGenetics, part of Exact Sciences
Classification: Likely benign for ERF-related condition. Last evaluated: 2019-10-14. Review status: no assertion criteria provided. Collection method: clinical testing. Allele origin: germline.
Comment: This variant is classified as likely benign based on ACMG/AMP sequence variant interpretation guidelines (Richards et al. 2015 PMID: 25741868, with internal and published modifications).

NM_006494.4(ERF):c.615C>T (p.Arg205=)

Gene: ERF (ETS2 repressor factor; minus strand). Cytogenetic location: 19q13.2.
Variant type: single nucleotide variant.
Coding change: c.615C>T on transcript NM_006494.4 (MANE Select); coding-DNA position 615, C replaced by T.
Protein change: p.Arg205=; no amino-acid change (arginine 205 retained).
Molecular consequence: synonymous variant.
Genome position (GRCh38, 1-based): chr19:42,249,497, G>A on the plus strand (C>T on the coding strand, the complement: ERF is on the minus strand). VCF-style: chr19-42249497-G-A. GRCh37 (hg19) VCF-style: chr19-42753649-G-A.
Other names: c.390C>T, p.Arg130= (NM_001301035.2, NM_001308402.2, NM_001312656.2).
Identifiers: ClinVar variation 3045186 (VCV003045186.2), dbSNP rs11557114, ClinGen allele CA507700823.
Genomic context (GRCh38, chr19:42,249,497, plus strand): 5'-CAGGCGGGCCAGCGGGGGCCCTCGGAAGGCACCCAGATCCGGAGGGCCGGGTGGTCGGGC[G>A]CGGGGATCCTCTCCCAGCGGTTCCTCCAGCTCTGACGTGCCATCACTACAGTCACTGACT-3'
Protein context (NP_006485.2, residues 195-215): ELEEPLGEDP[Arg205=]ARPPGPPDLG